The following is an entry in ClinVar:

NM_001252024.2(TRPM1):c.2296C>T (p.Arg766Trp)

Gene: TRPM1 (transient receptor potential cation channel subfamily M member 1; minus strand). Cytogenetic location: 15q13.3.
Variant type: single nucleotide variant.
Coding change: c.2296C>T on transcript NM_001252024.2 (MANE Select); coding-DNA position 2296, C replaced by T.
Protein change: p.Arg766Trp; replaces arginine 766 with tryptophan.
Molecular consequence: missense variant.
Genome position (GRCh38, 1-based): chr15:31,040,138, G>A on the plus strand (C>T on the coding strand, the complement: TRPM1 is on the minus strand). VCF-style: chr15-31040138-G-A. GRCh37 (hg19) VCF-style: chr15-31332341-G-A.
Other names: c.2347C>T, p.Arg783Trp (NM_001252020.2); c.2230C>T, p.Arg744Trp (NM_002420.6); c.2230C>T (NM_002420.4); short protein forms R744W, R766W, R783W.
Identifiers: ClinVar variation 1022215 (VCV001022215.5), dbSNP rs746696499, ClinGen allele CA7452271.
Genomic context (GRCh38, chr15:31,040,138, plus strand): 5'-CACTGTCACCCTGGCCCGCCTCGCAGCACGTTGCACGCACCTTCAGGCCGGGGTTCTTCC[G>A]CATCCGCAGTCTTCCCATCCACATATCGGTCAGCAGCATCTGGCTGCAGGTGTGAGCAAT-3'
Protein context (NP_001238953.1, residues 756-776): TDMWMGRLRM[Arg766Trp]KNPGLKVIMG

ClinVar aggregate classification (germline): Uncertain significance. Review status: criteria provided, multiple submitters, no conflicts (2 of 4 stars). 2 submissions from 2 submitters: Uncertain significance (2). Last evaluated 2025-10-28.

Conditions:
Inborn genetic diseases. Identifiers: MedGen C0950123, MeSH D030342.

Allele frequency attached by ClinVar (database versions not stated): TOPMed 0.00001; ExAC 0.00002.
gnomAD v4.1: 60 of 1,614,046 alleles (0.0037%); highest among the groups gnomAD compares: East Asian, 0.011%; no homozygotes.

Submissions (2):

Labcorp Genetics (formerly Invitae), Labcorp
Classification: Uncertain significance. Last evaluated: 2025-10-28. Review status: criteria provided, single submitter. Criteria: Invitae Variant Classification Sherloc (09022015). Collection method: clinical testing. Allele origin: germline.
Comment: This sequence change replaces arginine, which is basic and polar, with tryptophan, which is neutral and slightly polar, at codon 744 of the TRPM1 protein (p.Arg744Trp). This variant is present in population databases (rs746696499, gnomAD 0.01%). This variant has not been reported in the literature in individuals affected with TRPM1-related conditions. ClinVar contains an entry for this variant (Variation ID: 1022215). Invitae Evidence Modeling of protein sequence and biophysical properties (such as structural, functional, and spatial information, amino acid conservation, physicochemical variation, residue mobility, and thermodynamic stability) indicates that this missense variant is not expected to disrupt TRPM1 protein function with a negative predictive value of 95%. In summary, the available evidence is currently insufficient to determine the role of this variant in disease. Therefore, it has been classified as a Variant of Uncertain Significance.

Ambry Genetics
Classification: Uncertain significance for Inborn genetic diseases. Last evaluated: 2023-12-17. Review status: criteria provided, single submitter. Criteria: Ambry Variant Classification Scheme 2023. Collection method: clinical testing. Allele origin: germline.